The following is an entry in ClinVar:

ClinVar aggregate classification (germline): Likely benign. Review status: criteria provided, multiple submitters, no conflicts (2 of 4 stars). 3 submissions from 3 submitters: Likely benign (3). Last evaluated 2025-12-22.

Conditions:
Inborn genetic diseases. Identifiers: MedGen C0950123, MeSH D030342.
RAI1-related disorder. Also called: RAI1-related condition.

Allele frequency attached by ClinVar (database versions not stated): ExAC 0.00002; gnomAD 0.00003 and 0.00002; TOPMed 0.00003; gnomAD exomes 0.00002.
gnomAD v4.1: 39 of 1,613,046 alleles (0.0024%); highest among the groups gnomAD compares: Non-Finnish European, 0.0029%; no homozygotes.

Submissions (3):

Labcorp Genetics (formerly Invitae), Labcorp
Classification: Likely benign. Last evaluated: 2025-12-22. Review status: criteria provided, single submitter. Criteria: Invitae Variant Classification Sherloc (09022015). Collection method: clinical testing. Allele origin: germline.

PreventionGenetics, part of Exact Sciences
Classification: Likely benign for RAI1-related condition. Last evaluated: 2024-11-18. Review status: criteria provided, single submitter. Criteria: ACMG Guidelines, 2015. Collection method: clinical testing. Allele origin: germline.
Comment: This variant is classified as likely benign based on ACMG/AMP sequence variant interpretation guidelines (Richards et al. 2015 PMID: 25741868, with internal and published modifications).

Ambry Genetics
Classification: Likely benign for Inborn genetic diseases. Last evaluated: 2019-03-26. Review status: criteria provided, single submitter. Criteria: Ambry Variant Classification Scheme 2023. Collection method: clinical testing. Allele origin: germline.

NM_030665.4(RAI1):c.1449C>T (p.Pro483=)

Gene: RAI1 (retinoic acid induced 1; plus strand). Cytogenetic location: 17p11.2.
Variant type: single nucleotide variant.
Coding change: c.1449C>T on transcript NM_030665.4 (MANE Select); coding-DNA position 1449, C replaced by T.
Protein change: p.Pro483=; no amino-acid change (proline 483 retained).
Molecular consequence: synonymous variant.
Genome position (GRCh38, 1-based): chr17:17,794,397, C>T. VCF-style: chr17-17794397-C-T. GRCh37 (hg19) VCF-style: chr17-17697711-C-T.
Identifiers: ClinVar variation 1570027 (VCV001570027.11), dbSNP rs764710876, ClinGen allele CA8418333.